The following is an entry in ClinVar:

ClinVar aggregate classification (germline): Likely benign. Review status: criteria provided, single submitter (1 of 4 stars). 2 submissions from 2 submitters: Likely benign (1). 1 of the submissions does not count toward it. Last evaluated 2026-01-14.

Conditions:
USP7-related disorder. Also called: USP7-related condition.

Allele frequency attached by ClinVar (database versions not stated): ExAC 0.00006; ESP Exome Variant Server 0.00008; gnomAD exomes 0.00012; gnomAD 0.00021; 1000 Genomes Project 30x 0.00031; TOPMed 0.00039; 1000 Genomes Project 0.00040.
gnomAD v4.1: 208 of 1,614,140 alleles (0.013%); highest among the groups gnomAD compares: Admixed American, 0.047%; no homozygotes.

Submissions (2):

Labcorp Genetics (formerly Invitae), Labcorp
Classification: Likely benign. Last evaluated: 2026-01-14. Review status: criteria provided, single submitter. Criteria: Invitae Variant Classification Sherloc (09022015). Collection method: clinical testing. Allele origin: germline.

PreventionGenetics, part of Exact Sciences
Classification: Likely benign for USP7-related condition. Last evaluated: 2019-05-08. Review status: no assertion criteria provided. Collection method: clinical testing. Allele origin: germline. Not counted in ClinVar's aggregate classification.
Comment: This variant is classified as likely benign based on ACMG/AMP sequence variant interpretation guidelines (Richards et al. 2015 PMID: 25741868, with internal and published modifications).

NM_003470.3(USP7):c.3231A>G (p.Leu1077=)

Gene: USP7 (ubiquitin specific peptidase 7; minus strand). Cytogenetic location: 16p13.2.
Variant type: single nucleotide variant.
Coding change: c.3231A>G on transcript NM_003470.3 (MANE Select); coding-DNA position 3231, A replaced by G.
Protein change: p.Leu1077=; no amino-acid change (leucine 1077 retained).
Molecular consequence: synonymous variant. On other transcripts: non-coding transcript variant (1).
Genome position (GRCh38, 1-based): chr16:8,894,076, T>C on the plus strand (A>G on the coding strand, the complement: USP7 is on the minus strand). VCF-style: chr16-8894076-T-C. GRCh37 (hg19) VCF-style: chr16-8987933-T-C.
Other names: c.3183A>G, p.Leu1061= (NM_001286457.2); c.2934A>G, p.Leu978= (NM_001286458.2); c.3057A>G, p.Leu1019= (NM_001321858.2); c.3231A>G (NM_003470.2).
Identifiers: ClinVar variation 2047666 (VCV002047666.6), dbSNP rs368837913, ClinGen allele CA7894652.